The following is an entry in ClinVar:

NM_001363711.2(DUOX2):c.70+7A>G

Gene: DUOX2 (dual oxidase 2; minus strand). Cytogenetic location: 15q21.1.
Variant type: single nucleotide variant.
Coding change: c.70+7A>G on transcript NM_001363711.2 (MANE Select); 7 bases into the intron after coding-DNA position 70, A replaced by G.
Molecular consequence: intron variant.
Genome position (GRCh38, 1-based): chr15:45,113,335, T>C on the plus strand (A>G on the coding strand, the complement: DUOX2 is on the minus strand). VCF-style: chr15-45113335-T-C. GRCh37 (hg19) VCF-style: chr15-45405533-T-C.
Other names: c.74+3A>G (NM_014080.5).
Identifiers: ClinVar variation 2787303 (VCV002787303.3), dbSNP rs2504792300, ClinGen allele CA2575711078.

ClinVar aggregate classification (germline): Uncertain significance (1 of 4 stars; one submission).

Submission:

Labcorp Genetics (formerly Invitae), Labcorp
Classification: Uncertain significance. Last evaluated: 2023-02-14. Review status: criteria provided, single submitter. Criteria: Invitae Variant Classification Sherloc (09022015). Collection method: clinical testing. Allele origin: germline.
Comment: This variant is not present in population databases (gnomAD no frequency). In summary, the available evidence is currently insufficient to determine the role of this variant in disease. Therefore, it has been classified as a Variant of Uncertain Significance. Variants that disrupt the consensus splice site are a relatively common cause of aberrant splicing (PMID: 17576681, 9536098). Algorithms developed to predict the effect of sequence changes on RNA splicing suggest that this variant may disrupt the consensus splice site. This variant has not been reported in the literature in individuals affected with DUOX2-related conditions. This sequence change falls in intron 2 of the DUOX2 gene. It does not directly change the encoded amino acid sequence of the DUOX2 protein. It affects a nucleotide within the consensus splice site.

Literature cited by the submitters: PubMed 17576681; PubMed 9536098.